The following is an entry in ClinVar:

ClinVar aggregate classification (germline): Uncertain significance (1 of 4 stars; one submission).

Conditions:
Cardiovascular phenotype. Identifiers: MedGen CN230736.
Hereditary cancer-predisposing syndrome. Also called: Hereditary neoplastic syndrome; Neoplastic Syndromes, Hereditary; Tumor predisposition; Hereditary Cancer Syndrome. Identifiers: Orphanet 140162, MedGen C0027672, MeSH D009386, MONDO:0015356.

Submission:

Ambry Genetics
Classification: Uncertain significance for Cardiovascular phenotype; Hereditary cancer-predisposing syndrome. Last evaluated: 2025-09-14. Review status: criteria provided, single submitter. Criteria: Ambry Variant Classification Scheme 2023. Collection method: clinical testing. Allele origin: germline.
Comment: The p.S2222P variant (also known as c.6664T>C), located in coding exon 44 of the NF1 gene, results from a T to C substitution at nucleotide position 6664. The serine at codon 2222 is replaced by proline, an amino acid with similar properties. This amino acid position is conserved. In addition, this alteration is predicted to be deleterious by in silico analysis. Based on the available evidence, the clinical significance of this variant remains unclear.

NM_001042492.3(NF1):c.6727T>C (p.Ser2243Pro)

Gene: NF1 (neurofibromin 1; plus strand). Cytogenetic location: 17q11.2.
Variant type: single nucleotide variant.
Coding change: c.6727T>C on transcript NM_001042492.3 (MANE Select); coding-DNA position 6727, T replaced by C.
Protein change: p.Ser2243Pro; replaces serine 2243 with proline.
Molecular consequence: missense variant.
Genome position (GRCh38, 1-based): chr17:31,338,047, T>C. VCF-style: chr17-31338047-T-C. GRCh37 (hg19) VCF-style: chr17-29665065-T-C.
Other names: c.6664T>C, p.Ser2222Pro (NM_000267.4); short protein forms S2243P, S2222P.
Identifiers: ClinVar variation 4119194 (VCV004119194.1).
Genomic context (GRCh38, chr17:31,338,047, plus strand): 5'-AAAGGTTTTTATAAGTTCTGTGGATCTTTTAATTGCAGATTTGCATTCCAATATAATCCA[T>C]CCCTGCAACCAAGAGCTCTTGTTGTCTTTGGGTGTATTAGCAAACGAGTGTCTCATGGGC-3'
Protein context (NP_001035957.1, residues 2233-2253): AQRFAFQYNP[Ser2243Pro]LQPRALVVFG